The following is an entry in ClinVar:

ClinVar aggregate classification (germline): Uncertain significance. Review status: criteria provided, multiple submitters, no conflicts (2 of 4 stars). 3 submissions from 3 submitters: Uncertain significance (3). Last evaluated 2025-06-13.

Conditions:
Inborn genetic diseases. Identifiers: MedGen C0950123, MeSH D030342.
Fanconi anemia (FA). Also called: Fanconi's anemia. Identifiers: Orphanet 84, MedGen C0015625, MeSH D005199, MONDO:0019391.
Fanconi anemia complementation group A (FANCA). Also called: Fanconi anemia, group A; FANCA-Related Fanconi Anemia. Identifiers: Orphanet 84, MedGen C3469521, MONDO:0009215, OMIM 227650.

Allele frequency attached by ClinVar (database versions not stated): ExAC 0.00001; TOPMed 0.00003.
gnomAD v4.1: 7 of 1,611,344 alleles (0.00043%); highest among the groups gnomAD compares: Admixed American, 0.0017%; no homozygotes.

Submissions (3):

Ambry Genetics
Classification: Uncertain significance for Inborn genetic diseases. Last evaluated: 2025-06-13. Review status: criteria provided, single submitter. Criteria: Ambry Variant Classification Scheme 2023. Collection method: clinical testing. Allele origin: germline.
Comment: The p.S735I variant (also known as c.2204G>T), located in coding exon 24 of the FANCA gene, results from a G to T substitution at nucleotide position 2204. The serine at codon 735 is replaced by isoleucine, an amino acid with dissimilar properties. This amino acid position is conserved. In addition, this alteration is predicted to be tolerated by in silico analysis. Based on the available evidence, the clinical significance of this variant remains unclear.

Fulgent Genetics
Classification: Uncertain significance for Fanconi anemia complementation group A. Last evaluated: 2024-05-13. Review status: criteria provided, single submitter. Criteria: ACMG Guidelines, 2015. Collection method: clinical testing. Allele origin: germline.

Labcorp Genetics (formerly Invitae), Labcorp
Classification: Uncertain significance for Fanconi anemia. Last evaluated: 2022-08-20. Review status: criteria provided, single submitter. Criteria: Invitae Variant Classification Sherloc (09022015). Collection method: clinical testing. Allele origin: germline.
Comment: This sequence change replaces serine, which is neutral and polar, with isoleucine, which is neutral and non-polar, at codon 735 of the FANCA protein (p.Ser735Ile). The frequency data for this variant in the population databases is considered unreliable, as metrics indicate poor data quality at this position in the gnomAD database. This variant has not been reported in the literature in individuals affected with FANCA-related conditions. Advanced modeling of protein sequence and biophysical properties (such as structural, functional, and spatial information, amino acid conservation, physicochemical variation, residue mobility, and thermodynamic stability) performed at Invitae indicates that this missense variant is not expected to disrupt FANCA protein function. In summary, the available evidence is currently insufficient to determine the role of this variant in disease. Therefore, it has been classified as a Variant of Uncertain Significance.

NM_000135.4(FANCA):c.2204G>T (p.Ser735Ile)

Gene: FANCA (FA complementation group A; minus strand). Cytogenetic location: 16q24.3.
Variant type: single nucleotide variant.
Coding change: c.2204G>T on transcript NM_000135.4 (MANE Select); coding-DNA position 2204, G replaced by T.
Protein change: p.Ser735Ile; replaces serine 735 with isoleucine.
Molecular consequence: missense variant.
Genome position (GRCh38, 1-based): chr16:89,770,582, C>A on the plus strand (G>T on the coding strand, the complement: FANCA is on the minus strand). VCF-style: chr16-89770582-C-A. GRCh37 (hg19) VCF-style: chr16-89836990-C-A.
Other names: c.2204G>T, p.Ser735Ile (NM_001286167.3); short protein forms S735I.
Identifiers: ClinVar variation 2416852 (VCV002416852.5), dbSNP rs777472045, ClinGen allele CA8251851.